The following is an entry in ClinVar:

ClinVar aggregate classification (germline): Benign/Likely benign. Review status: criteria provided, multiple submitters, no conflicts (2 of 4 stars). 3 submissions from 3 submitters: Benign (2); Likely benign (1). Last evaluated 2023-01-01.

Submissions (3):

CeGaT Center for Human Genetics Tuebingen
Classification: Benign. Last evaluated: 2023-01-01. Review status: criteria provided, single submitter. Criteria: CeGaT Center For Human Genetics Tuebingen Variant Classification Criteria Version 2. Collection method: clinical testing. Allele origin: germline. Affected: yes. Observed: 2 variant alleles.
Comment: STAT3: BS1, BS2

Women's Health and Genetics/Laboratory Corporation of America, LabCorp
Classification: Benign. Last evaluated: 2021-12-30. Review status: criteria provided, single submitter. Criteria: LabCorp Variant Classification Summary - May 2015. Collection method: clinical testing. Allele origin: germline.
Comment: Variant summary: STAT3 c.1365+146dupA is located at a position not widely known to affect splicing. 4/4 computational tools predict no significant impact on normal splicing. However, these predictions have yet to be confirmed by functional studies. The variant allele was found at a frequency of 0.0033 in 31374 control chromosomes, predominantly at a frequency of 0.011 within the African or African-American subpopulation in the gnomAD database. The observed variant frequency within African or African-American control individuals in the gnomAD database is approximately 4999.99 fold of the estimated maximal expected allele frequency for a pathogenic variant in STAT3 causing Hyper IgE Syndrome phenotype (2.2e-06), strongly suggesting that the variant is a benign polymorphism found primarily in populations of African or African-American origin. To our knowledge, no occurrence of c.1365+146dupA in individuals affected with Hyper IgE Syndrome and no experimental evidence demonstrating its impact on protein function have been reported. One clinical diagnostic laboratory has submitted clinical-significance assessments for this variant to ClinVar after 2014 without evidence for independent evaluation. One laboratory classified the variant as likely benign. Based on the evidence outlined above, the variant was classified as benign.

GeneDx
Classification: Likely benign. Last evaluated: 2020-09-28. Review status: criteria provided, single submitter. Criteria: GeneDx Variant Classification Process June 2021. Collection method: clinical testing. Allele origin: germline. Affected: yes.

NM_139276.3(STAT3):c.1365+146dup

Gene: STAT3 (signal transducer and activator of transcription 3; minus strand). Cytogenetic location: 17q21.2.
Variant type: Duplication.
Coding change: c.1365+146dup on transcript NM_139276.3 (MANE Select); 146 bases into the intron after coding-DNA position 1365, one base duplicated (A; older notation c.1365+146dupA).
Molecular consequence: intron variant.
Genome position (GRCh38, 1-based): chr17:42,325,970, T duplicated on the plus strand (A on the coding strand, the reverse complement: STAT3 is on the minus strand); the first of 7 consecutive T bases (chr17:42,325,970-42,325,976); duplicating any one gives the same sequence. VCF-style (leftmost placement, unchanged base first): chr17-42325969-A-AT. GRCh37 (hg19) VCF-style: chr17-40477987-A-AT.
Other names: c.1365+146dupA (NM_139276.2); c.1269+146dup (NM_001384989.1); c.1305+146dup (NM_001384992.1); c.1282-909dup (NM_001384984.1); c.1365+146dup (NM_001369519.1, NM_003150.4, NM_001369517.1 and 11 more transcripts); c.1287+146dup (NM_001384985.1); c.1380+146dup (NM_001384986.1, NM_001384990.1).
Identifiers: ClinVar variation 36785 (VCV000036785.31), dbSNP rs143987966, ClinGen allele CA260537.